The following is an entry in ClinVar:

ClinVar aggregate classification (germline): Uncertain significance (1 of 4 stars; one submission).

gnomAD v4.1: 11 of 1,613,740 alleles (0.00068%); highest among the groups gnomAD compares: Admixed American, 0.0017%; no homozygotes.

Submission:

Labcorp Genetics (formerly Invitae), Labcorp
Classification: Uncertain significance. Last evaluated: 2025-10-21. Review status: criteria provided, single submitter. Criteria: Invitae Variant Classification Sherloc (09022015). Collection method: clinical testing. Allele origin: germline.
Comment: This sequence change replaces valine, which is neutral and non-polar, with methionine, which is neutral and non-polar, at codon 546 of the ACAN protein (p.Val546Met). This variant is present in population databases (rs62640041, gnomAD 0.003%). This variant has not been reported in the literature in individuals affected with ACAN-related conditions. Invitae Evidence Modeling of protein sequence and biophysical properties (such as structural, functional, and spatial information, amino acid conservation, physicochemical variation, residue mobility, and thermodynamic stability) indicates that this missense variant is not expected to disrupt ACAN protein function with a negative predictive value of 80%. In summary, the available evidence is currently insufficient to determine the role of this variant in disease. Therefore, it has been classified as a Variant of Uncertain Significance.

NM_001369268.1(ACAN):c.1636G>A (p.Val546Met)

Gene: ACAN (aggrecan; plus strand). Cytogenetic location: 15q26.1.
Variant type: single nucleotide variant.
Coding change: c.1636G>A on transcript NM_001369268.1 (MANE Select); coding-DNA position 1636, G replaced by A.
Protein change: p.Val546Met; replaces valine 546 with methionine.
Molecular consequence: missense variant.
Genome position (GRCh38, 1-based): chr15:88,847,942, G>A. VCF-style: chr15-88847942-G-A. GRCh37 (hg19) VCF-style: chr15-89391173-G-A.
Other names: c.1636G>A, p.Val546Met (NM_001135.4, NM_001411096.1, NM_001411097.1 and 1 more transcripts); short protein forms V546M.
Identifiers: ClinVar variation 4697245 (VCV004697245.1).